The following is an entry in ClinVar:

NM_153816.6(SNX14):c.1358T>C (p.Val453Ala)

Gene: SNX14 (sorting nexin 14; minus strand). Cytogenetic location: 6q14.3.
Variant type: single nucleotide variant.
Coding change: c.1358T>C on transcript NM_153816.6 (MANE Select); coding-DNA position 1358, T replaced by C.
Protein change: p.Val453Ala; replaces valine 453 with alanine.
Molecular consequence: missense variant. On other transcripts: non-coding transcript variant (6).
Genome position (GRCh38, 1-based): chr6:85,543,213, A>G on the plus strand (T>C on the coding strand, the complement: SNX14 is on the minus strand). VCF-style: chr6-85543213-A-G. GRCh37 (hg19) VCF-style: chr6-86252931-A-G.
Other names: c.1358T>C, p.Val453Ala (NM_001297614.3, NM_001350540.2, NM_001350541.2); c.1202T>C, p.Val401Ala (NM_001304479.2); c.1421T>C, p.Val474Ala (NM_001350532.2); c.1355T>C, p.Val452Ala (NM_001350533.2, NM_001350534.2, NM_001350535.2); c.1226T>C, p.Val409Ala (NM_001350536.2, NM_020468.6); c.1223T>C, p.Val408Ala (NM_001350537.2); c.1214T>C, p.Val405Ala (NM_001350538.2); c.1199T>C, p.Val400Ala (NM_001350539.2); and 7 more; short protein forms V103A, V305A, V353A, V356A, V357A, V400A, V401A, V405A.
Identifiers: ClinVar variation 1018996 (VCV001018996.12), dbSNP rs1161324670, ClinGen allele CA364895285.

ClinVar aggregate classification (germline): Uncertain significance. Review status: criteria provided, multiple submitters, no conflicts (2 of 4 stars). 4 submissions from 4 submitters: Uncertain significance (4). Last evaluated 2025-10-01.

Conditions:
Inborn genetic diseases. Identifiers: MedGen C0950123, MeSH D030342.

Allele frequency attached by ClinVar (database versions not stated): gnomAD exomes 0.00001.
gnomAD v4.1: 4 of 1,590,210 alleles (0.00025%); highest among the groups gnomAD compares: East Asian, 0.0045%; no homozygotes.

Submissions (4):

Ambry Genetics
Classification: Uncertain significance for Inborn genetic diseases. Last evaluated: 2025-10-01. Review status: criteria provided, single submitter. Criteria: Ambry Variant Classification Scheme 2023. Collection method: clinical testing. Allele origin: germline.
Comment: The c.1358T>C (p.V453A) alteration is located in exon 14 (coding exon 14) of the SNX14 gene. This alteration results from a T to C substitution at nucleotide position 1358, causing the valine (V) at amino acid position 453 to be replaced by an alanine (A). Based on data from gnomAD, the C allele has an overall frequency of <0.001% (1/231736) total alleles studied. The highest observed frequency was 0.003% (1/28986) of Latino alleles. Based on insufficient or conflicting evidence, the clinical significance of this alteration remains unclear.

Women's Health and Genetics/Laboratory Corporation of America, LabCorp
Classification: Uncertain significance. Last evaluated: 2023-09-29. Review status: criteria provided, single submitter. Criteria: LabCorp Variant Classification Summary - May 2015. Collection method: clinical testing. Allele origin: germline.
Comment: Variant summary: SNX14 c.1358T>C (p.Val453Ala) results in a non-conservative amino acid change in the encoded protein sequence. Four of five in-silico tools predict a damaging effect of the variant on protein function. The variant allele was found at a frequency of 4.3e-06 in 231736 control chromosomes (gnomAD). The available data on variant occurrences in the general population are insufficient to allow any conclusion about variant significance. To our knowledge, no occurrence of c.1358T>C in individuals affected with Autosomal Recessive Spinocerebellar Ataxia 20 and no experimental evidence demonstrating its impact on protein function have been reported. Two submitters have cited clinical-significance assessments for this variant to ClinVar after 2014. Both submitters classified the variant as uncertain significance. Based on the evidence outlined above, the variant was classified as uncertain significance.

GeneDx
Classification: Uncertain significance. Last evaluated: 2019-10-16. Review status: criteria provided, single submitter. Criteria: GeneDx Variant Classification Process June 2021. Collection method: clinical testing. Allele origin: germline. Affected: yes.
Comment: Has not been previously published as pathogenic or benign to our knowledge; In silico analysis, which includes protein predictors and evolutionary conservation, supports that this variant does not alter protein structure/function

Labcorp Genetics (formerly Invitae), Labcorp
Classification: Uncertain significance. Last evaluated: 2017-07-13. Review status: criteria provided, single submitter. Criteria: Invitae Variant Classification Sherloc (09022015). Collection method: clinical testing. Allele origin: germline.
Comment: In summary, the available evidence is currently insufficient to determine the role of this variant in disease. Therefore, it has been classified as a Variant of Uncertain Significance. Algorithms developed to predict the effect of missense changes on protein structure and function do not agree on the potential impact of this missense change (SIFT: "Tolerated"; PolyPhen-2: "Possibly Damaging"; Align-GVGD: "Class C0"). This variant has not been reported in the literature in individuals with SNX14-related disease. This variant is not present in population databases (ExAC no frequency). This sequence change replaces valine with alanine at codon 453 of the SNX14 protein (p.Val453Ala). The valine residue is highly conserved and there is a small physicochemical difference between valine and alanine.